The following is an entry in ClinVar:

NM_000428.3(LTBP2):c.3851G>A (p.Arg1284His)

Gene: LTBP2 (latent transforming growth factor beta binding protein 2; minus strand). Cytogenetic location: 14q24.3.
Variant type: single nucleotide variant.
Coding change: c.3851G>A on transcript NM_000428.3 (MANE Select); coding-DNA position 3851, G replaced by A.
Protein change: p.Arg1284His; replaces arginine 1284 with histidine.
Molecular consequence: missense variant.
Genome position (GRCh38, 1-based): chr14:74,507,235, C>T on the plus strand (G>A on the coding strand, the complement: LTBP2 is on the minus strand). VCF-style: chr14-74507235-C-T. GRCh37 (hg19) VCF-style: chr14-74973938-C-T.
Other names: short protein forms R1284H.
Identifiers: ClinVar variation 314279 (VCV000314279.10), dbSNP rs201598003, ClinGen allele CA7269014.

ClinVar aggregate classification (germline): Uncertain significance. Review status: criteria provided, multiple submitters, no conflicts (2 of 4 stars). 4 submissions from 3 submitters: Uncertain significance (4). Last evaluated 2025-09-10.

Conditions:
Inborn genetic diseases. Identifiers: MedGen C0950123, MeSH D030342.
Weill-Marchesani syndrome. Also called: WM Syndrome; Mesodermal dysmorphodystrophy congenital. Identifiers: Orphanet 3449, MedGen C0265313, MONDO:0018096.
Glaucoma 3, primary congenital, D. Identifiers: Orphanet 98976, MedGen C2751316, MONDO:0013122, OMIM 613086.

Allele frequency attached by ClinVar (database versions not stated): gnomAD 0.00001; ExAC 0.00002; gnomAD exomes 0.00002; TOPMed 0.00003; 1000 Genomes Project 30x 0.00031; 1000 Genomes Project 0.00040.
gnomAD v4.1: 27 of 1,614,200 alleles (0.0017%); highest among the groups gnomAD compares: Middle Eastern, 0.016%; no homozygotes.

Submissions (4):

Ambry Genetics
Classification: Uncertain significance for Inborn genetic diseases. Last evaluated: 2025-09-10. Review status: criteria provided, single submitter. Criteria: Ambry Variant Classification Scheme 2023. Collection method: clinical testing. Allele origin: germline.

Labcorp Genetics (formerly Invitae), Labcorp
Classification: Uncertain significance. Last evaluated: 2025-09-04. Review status: criteria provided, single submitter. Criteria: Invitae Variant Classification Sherloc (09022015). Collection method: clinical testing. Allele origin: germline.
Comment: This sequence change replaces arginine, which is basic and polar, with histidine, which is basic and polar, at codon 1284 of the LTBP2 protein (p.Arg1284His). This variant is present in population databases (rs201598003, gnomAD 0.006%). This variant has not been reported in the literature in individuals affected with LTBP2-related conditions. ClinVar contains an entry for this variant (Variation ID: 314279). An algorithm developed to predict the effect of missense changes on protein structure and function outputs the following: PolyPhen-2: "Benign". The histidine amino acid residue is found in multiple mammalian species, which suggests that this missense change does not adversely affect protein function. In summary, the available evidence is currently insufficient to determine the role of this variant in disease. Therefore, it has been classified as a Variant of Uncertain Significance.

Illumina Laboratory Services, Illumina
Classification: Uncertain significance for Glaucoma 3, primary congenital, D. Last evaluated: 2018-01-12. Review status: criteria provided, single submitter. Criteria: ICSL Variant Classification Criteria 13 December 2019. Collection method: clinical testing. Allele origin: germline.

Illumina Laboratory Services, Illumina
Classification: Uncertain significance for Weill-Marchesani syndrome. Last evaluated: 2018-01-12. Review status: criteria provided, single submitter. Criteria: ICSL Variant Classification Criteria 13 December 2019. Collection method: clinical testing. Allele origin: germline.